The following is an entry in ClinVar:

ClinVar aggregate classification (germline): Uncertain significance. Review status: criteria provided, multiple submitters, no conflicts (2 of 4 stars). 2 submissions from 2 submitters: Uncertain significance (2). Last evaluated 2025-06-07.

Conditions:
Inborn genetic diseases. Identifiers: MedGen C0950123, MeSH D030342.
Hyperornithinemia-hyperammonemia-homocitrullinuria syndrome (HHHS). Also called: HHH SYNDROME; Ornithine translocase deficiency. Identifiers: Orphanet 415, MedGen C0268540, MONDO:0009393, OMIM 238970.

Allele frequency attached by ClinVar (database versions not stated): gnomAD 0.00001; ExAC 0.00002; ESP Exome Variant Server 0.00008.
gnomAD v4.1: 19 of 1,611,912 alleles (0.0012%); highest among the groups gnomAD compares: Non-Finnish European, 0.0015%; no homozygotes.

Submissions (2):

Ambry Genetics
Classification: Uncertain significance for Inborn genetic diseases. Last evaluated: 2025-06-07. Review status: criteria provided, single submitter. Criteria: Ambry Variant Classification Scheme 2023. Collection method: clinical testing. Allele origin: germline.

Labcorp Genetics (formerly Invitae), Labcorp
Classification: Uncertain significance for Hyperornithinemia-hyperammonemia-homocitrullinuria syndrome. Last evaluated: 2021-09-24. Review status: criteria provided, single submitter. Criteria: Invitae Variant Classification Sherloc (09022015). Collection method: clinical testing. Allele origin: germline.
Comment: This sequence change replaces serine with cysteine at codon 267 of the SLC25A15 protein (p.Ser267Cys). The serine residue is highly conserved and there is a moderate physicochemical difference between serine and cysteine. This variant is present in population databases (rs368504524, ExAC 0.003%). This variant has not been reported in the literature in individuals with SLC25A15-related conditions. Algorithms developed to predict the effect of missense changes on protein structure and function are either unavailable or do not agree on the potential impact of this missense change (SIFT: "Deleterious"; PolyPhen-2: "Possibly Damaging"; Align-GVGD: "Class C15"). In summary, the available evidence is currently insufficient to determine the role of this variant in disease. Therefore, it has been classified as a Variant of Uncertain Significance.

NM_014252.4(SLC25A15):c.800C>G (p.Ser267Cys)

Gene: SLC25A15 (solute carrier family 25 member 15; plus strand). Cytogenetic location: 13q14.11.
Variant type: single nucleotide variant.
Coding change: c.800C>G on transcript NM_014252.4 (MANE Select); coding-DNA position 800, C replaced by G.
Protein change: p.Ser267Cys; replaces serine 267 with cysteine.
Molecular consequence: missense variant.
Genome position (GRCh38, 1-based): chr13:40,809,561, C>G. VCF-style: chr13-40809561-C-G. GRCh37 (hg19) VCF-style: chr13-41383697-C-G.
Other names: c.800C>G (NM_014252.3); short protein forms S267C.
Identifiers: ClinVar variation 2044862 (VCV002044862.2), dbSNP rs368504524, ClinGen allele CA6959840.